The following is an entry in ClinVar:

ClinVar aggregate classification (germline): Benign/Likely benign. Review status: criteria provided, multiple submitters, no conflicts (2 of 4 stars). 4 submissions from 4 submitters: Benign (1); Likely benign (3). Last evaluated 2025-02-14.

Conditions:
Hereditary cancer-predisposing syndrome. Also called: Tumor predisposition; Neoplastic Syndromes, Hereditary; Hereditary Cancer Syndrome; Hereditary neoplastic syndrome. Identifiers: Orphanet 140162, MedGen C0027672, MeSH D009386, MONDO:0015356.
Fanconi anemia complementation group O. Also called: RAD51C-Related Fanconi Anemia. Identifiers: Orphanet 84, MedGen C3150653, MONDO:0013248, OMIM 613390.
Breast-ovarian cancer, familial, susceptibility to, 3. Also called: RAD51C-Related Breast/Ovarian Cancer. Identifiers: Orphanet 145, MedGen C3150659, MONDO:0013253, OMIM 613399.

Allele frequency attached by ClinVar (database versions not stated): gnomAD exomes below 0.00001.
gnomAD v4.1: 1 of 1,614,012 alleles (0.000062%); highest among the groups gnomAD compares: Non-Finnish European, 0.000085%; no homozygotes.

Submissions (4):

Myriad Genetics, Inc.
Classification: Benign for Breast-ovarian cancer, familial, susceptibility to, 3. Last evaluated: 2025-02-14. Review status: criteria provided, single submitter. Criteria: Myriad Autosomal Dominant, Autosomal Recessive and X-Linked Classification Criteria (2023). Collection method: clinical testing. Allele origin: unknown.
Comment: This variant is considered benign. This variant is a silent/synonymous amino acid change and it is not expected to impact splicing.

Ambry Genetics
Classification: Likely benign for Hereditary cancer-predisposing syndrome. Last evaluated: 2023-11-28. Review status: criteria provided, single submitter. Criteria: Ambry Variant Classification Scheme 2023. Collection method: clinical testing. Allele origin: germline.

Labcorp Genetics (formerly Invitae), Labcorp
Classification: Likely benign for Fanconi anemia complementation group O. Last evaluated: 2023-08-22. Review status: criteria provided, single submitter. Criteria: Invitae Variant Classification Sherloc (09022015). Collection method: clinical testing. Allele origin: germline.

Color Diagnostics, LLC DBA Color Health
Classification: Likely benign for Hereditary cancer-predisposing syndrome. Last evaluated: 2018-04-11. Review status: criteria provided, single submitter. Criteria: ACMG Guidelines, 2015. Collection method: clinical testing. Allele origin: germline.

NM_058216.3(RAD51C):c.255T>C (p.Cys85=)

Gene: RAD51C (RAD51 paralog C; plus strand). Cytogenetic location: 17q22.
Variant type: single nucleotide variant.
Coding change: c.255T>C on transcript NM_058216.3 (MANE Select); coding-DNA position 255, T replaced by C.
Protein change: p.Cys85=; no amino-acid change (cysteine 85 retained).
Molecular consequence: synonymous variant. On other transcripts: non-coding transcript variant (2).
Genome position (GRCh38, 1-based): chr17:58,695,040, T>C. VCF-style: chr17-58695040-T-C. GRCh37 (hg19) VCF-style: chr17-56772401-T-C.
Other names: c.255T>C, p.Cys85= (NM_002876.4); c.255T>C (NM_058216.1).
Identifiers: ClinVar variation 628176 (VCV000628176.12), dbSNP rs1318657498, ClinGen allele CA501074615.
Genomic context (GRCh38, chr17:58,695,040, plus strand): 5'-AAGAGAATGTCTCACAAATAAACCAAGATATGCTGGTACATCTGAGTCACACAAGAAGTG[T>C]ACAGCACTGGAACTTCTTGAGCAGGAGCATACCCAGGGCTTCATAATCACCTTCTGTTCA-3'
Protein context (NP_478123.1, residues 75-95): YAGTSESHKK[Cys85=]TALELLEQEH